The following is an entry in ClinVar:

NM_004960.4(FUS):c.*4G>A

Gene: FUS (FUS RNA binding protein; plus strand). Cytogenetic location: 16p11.2.
Variant type: single nucleotide variant.
Coding change: c.*4G>A on transcript NM_004960.4 (MANE Select); 4 bases downstream of the stop codon, G replaced by A.
Molecular consequence: 3 prime UTR variant. On other transcripts: non-coding transcript variant (1).
Genome position (GRCh38, 1-based): chr16:31,191,442, G>A. VCF-style: chr16-31191442-G-A. GRCh37 (hg19) VCF-style: chr16-31202763-G-A.
Other names: c.*4G>A (NM_001170634.1, NM_001170937.1).
Identifiers: ClinVar variation 2636034 (VCV002636034.1), dbSNP rs764811739, ClinGen allele CA8024123.

ClinVar aggregate classification (germline): Uncertain significance (1 of 4 stars; one submission).

Conditions:
FUS-related disorder. Also called: FUS-related condition.

Allele frequency attached by ClinVar (database versions not stated): ExAC 0.00001; TOPMed 0.00001.
gnomAD v4.1: 5 of 1,612,480 alleles (0.00031%); highest among the groups gnomAD compares: Non-Finnish European, 0.00042%; 1 homozygote.

Submission:

PreventionGenetics, part of Exact Sciences
Classification: Uncertain significance for FUS-related condition. Last evaluated: 2023-05-24. Review status: criteria provided, single submitter. Criteria: ACMG Guidelines, 2015. Collection method: clinical testing. Allele origin: germline.
Comment: The FUS c.*4G>A variant is located in the 3' untranslated region. To our knowledge, this variant has not been reported in the literature. This variant is reported in 0.0018% of alleles in individuals of European (Non-Finnish) descent in gnomAD. At this time, the clinical significance of this variant is uncertain due to the absence of conclusive functional and genetic evidence.